The following is an entry in ClinVar:

ClinVar aggregate classification (germline): Benign. Review status: criteria provided, multiple submitters, no conflicts (2 of 4 stars). 8 submissions from 8 submitters: Benign (6). 2 of the submissions do not count toward it. Last evaluated 2026-02-04.

Conditions:
Fraser syndrome 1 (FRASRS1). Also called: CRYPTOPHTHALMOS WITH OTHER MALFORMATIONS. Identifiers: Orphanet 2052, MedGen C4551480, MONDO:0054737, OMIM 219000.

Allele frequency attached by ClinVar (database versions not stated): 1000 Genomes Project 30x 0.95237; TOPMed 0.95501; ESP Exome Variant Server 0.95529; 1000 Genomes Project 0.95607; gnomAD 0.95846 and 0.96114; ExAC 0.98669; gnomAD exomes 0.98842 and 0.99490.
gnomAD v4.1: 1,566,856 of 1,580,422 alleles (99%); highest among the groups gnomAD compares: East Asian, 100%; 777,292 homozygotes.

Submissions (8):

Labcorp Genetics (formerly Invitae), Labcorp
Classification: Benign. Last evaluated: 2026-02-04. Review status: criteria provided, single submitter. Criteria: Invitae Variant Classification Sherloc (09022015). Collection method: clinical testing. Allele origin: germline.

Blueprint Genetics
Classification: Benign. Last evaluated: 2024-11-26. Review status: criteria provided, single submitter. Criteria: ACMG Guidelines, 2015. Collection method: clinical testing. Allele origin: germline.

Genome-Nilou Lab
Classification: Benign for Fraser syndrome 1. Last evaluated: 2021-08-10. Review status: criteria provided, single submitter. Criteria: ACMG Guidelines, 2015. Collection method: clinical testing. Allele origin: germline. Affected: no.

Illumina Laboratory Services, Illumina
Classification: Benign for Fraser syndrome 1. Last evaluated: 2018-01-12. Review status: criteria provided, single submitter. Criteria: ICSL Variant Classification Criteria 13 December 2019. Collection method: clinical testing. Allele origin: germline.
Comment: This variant was observed in the ICSL laboratory as part of a predisposition screen in an ostensibly healthy population. It had not been previously curated by ICSL or reported in the Human Gene Mutation Database (HGMD: prior to June 1st, 2018), and was therefore a candidate for classification through an automated scoring system. Utilizing variant allele frequency, disease prevalence and penetrance estimates, and inheritance mode, an automated score was calculated to assess if this variant is too frequent to cause the disease. Based on the score and internal cut-off values, a variant classified as benign is not then subjected to further curation. The score for this variant resulted in a classification of benign for this disease.

Breakthrough Genomics
Classification: Benign. Review status: criteria provided, single submitter. Criteria: ACMG Guidelines, 2015. Collection method: not provided. Allele origin: germline. Inheritance: Autosomal recessive inheritance. Affected: yes.

PreventionGenetics, part of Exact Sciences
Classification: Benign. Review status: criteria provided, single submitter. Criteria: ACMG Guidelines, 2015. Collection method: clinical testing. Allele origin: germline.

Diagnostic Laboratory, Department of Genetics, University Medical Center Groningen
Classification: Benign for Fraser syndrome 1. Review status: no assertion criteria provided. Collection method: clinical testing. Allele origin: germline. Affected: yes. Study: VKGL Data-share Consensus. Not counted in ClinVar's aggregate classification.

Genome Diagnostics Laboratory, University Medical Center Utrecht
Classification: Benign. Review status: no assertion criteria provided. Collection method: clinical testing. Allele origin: germline. Affected: yes. Study: VKGL Data-share Consensus. Not counted in ClinVar's aggregate classification.

NM_025074.7(FRAS1):c.7371+11T>C

Gene: FRAS1 (Fraser extracellular matrix complex subunit 1; plus strand). Cytogenetic location: 4q21.21.
Variant type: single nucleotide variant.
Coding change: c.7371+11T>C on transcript NM_025074.7 (MANE Select); 11 bases into the intron after coding-DNA position 7371, T replaced by C.
Molecular consequence: intron variant.
Genome position (GRCh38, 1-based): chr4:78,470,102, T>C. VCF-style: chr4-78470102-T-C. GRCh37 (hg19) VCF-style: chr4-79391256-T-C.
Identifiers: ClinVar variation 261814 (VCV000261814.17), dbSNP rs7664505, ClinGen allele CA2978069.